The following is an entry in ClinVar:

NM_024757.5(EHMT1):c.2695A>G (p.Ile899Val)

Gene: EHMT1 (euchromatic histone lysine methyltransferase 1; plus strand). Cytogenetic location: 9q34.3.
Variant type: single nucleotide variant.
Coding change: c.2695A>G on transcript NM_024757.5 (MANE Select); coding-DNA position 2695, A replaced by G.
Protein change: p.Ile899Val; replaces isoleucine 899 with valine.
Molecular consequence: missense variant.
Genome position (GRCh38, 1-based): chr9:137,800,967, A>G. VCF-style: chr9-137800967-A-G. GRCh37 (hg19) VCF-style: chr9-140695419-A-G.
Other names: c.2674A>G, p.Ile892Val (NM_001354263.2); short protein forms I899V, I892V.
Identifiers: ClinVar variation 194893 (VCV000194893.48), dbSNP rs144085805, ClinGen allele CA241102.

ClinVar aggregate classification (germline): Conflicting classifications of pathogenicity. Review status: criteria provided, conflicting classifications (1 of 4 stars). 6 submissions from 6 submitters: Uncertain significance (1); Benign (3); Likely benign (1). 1 of the submissions does not count toward it. Last evaluated 2025-12-13.

Conditions:
EHMT1-related disorder. Also called: EHMT1-related condition.
Inborn genetic diseases. Identifiers: MedGen C0950123, MeSH D030342.
Kleefstra syndrome 1 (KLEFS1). Identifiers: Orphanet 261494, MedGen C0795833, MONDO:0027407, OMIM 610253.

Allele frequency attached by ClinVar (database versions not stated): gnomAD 0.00021 and 0.00020; ExAC 0.00031; gnomAD exomes 0.00039 and 0.00018; ESP Exome Variant Server 0.00046; TOPMed 0.00018.
gnomAD v4.1: 310 of 1,614,010 alleles (0.019%); highest among the groups gnomAD compares: South Asian, 0.0066%; no homozygotes.

Submissions (6):

Labcorp Genetics (formerly Invitae), Labcorp
Classification: Benign for Kleefstra syndrome 1. Last evaluated: 2025-12-13. Review status: criteria provided, single submitter. Criteria: Invitae Variant Classification Sherloc (09022015). Collection method: clinical testing. Allele origin: germline.

CeGaT Center for Human Genetics Tuebingen
Classification: Benign. Last evaluated: 2023-04-01. Review status: criteria provided, single submitter. Criteria: CeGaT Center For Human Genetics Tuebingen Variant Classification Criteria Version 2. Collection method: clinical testing. Allele origin: germline. Affected: yes. Observed: 2 variant alleles.
Comment: EHMT1: BS1, BS2

GeneDx
Classification: Benign. Last evaluated: 2020-03-30. Review status: criteria provided, single submitter. Criteria: GeneDx Variant Classification Process June 2021. Collection method: clinical testing. Allele origin: germline. Affected: yes.

Ambry Genetics
Classification: Likely benign for Inborn genetic diseases. Last evaluated: 2018-03-21. Review status: criteria provided, single submitter. Criteria: Ambry Variant Classification Scheme 2023. Collection method: clinical testing. Allele origin: germline.

Eurofins Ntd Llc (ga)
Classification: Uncertain significance. Last evaluated: 2014-11-21. Review status: criteria provided, single submitter. Criteria: EGL Classification Definitions 2015. Collection method: clinical testing. Allele origin: germline. Observed: 1 variant allele, 1 heterozygote.

PreventionGenetics, part of Exact Sciences
Classification: Benign for EHMT1-related condition. Last evaluated: 2019-05-18. Review status: no assertion criteria provided. Collection method: clinical testing. Allele origin: germline. Not counted in ClinVar's aggregate classification.
Comment: This variant is classified as benign based on ACMG/AMP sequence variant interpretation guidelines (Richards et al. 2015 PMID: 25741868, with internal and published modifications).